The following is an entry in ClinVar:

NM_001164508.2(NEB):c.19495A>G (p.Met6499Val)

Genes: NEB (nebulin; minus strand), LOC126806373 (BRD4-independent group 4 enhancer GRCh37_chr2:152410007-152411206; plus strand). Cytogenetic location: 2q23.3.
Variant type: single nucleotide variant.
Coding change: c.19495A>G on transcript NM_001164508.2 (MANE Select); coding-DNA position 19495, A replaced by G.
Protein change: p.Met6499Val; replaces methionine 6499 with valine.
Molecular consequence: missense variant.
Genome position (GRCh38, 1-based): chr2:151,553,959, T>C on the plus strand (A>G on the coding strand, the complement: NEB is on the minus strand). VCF-style: chr2-151553959-T-C. GRCh37 (hg19) VCF-style: chr2-152410473-T-C.
Other names: c.19495A>G, p.Met6499Val (NM_001164507.2, NM_001271208.2); c.14392A>G, p.Met4798Val (NM_004543.5); short protein forms M4798V, M6499V.
Identifiers: ClinVar variation 1413792 (VCV001413792.8), dbSNP rs2095482134, ClinGen allele CA348791636.

ClinVar aggregate classification (germline): Uncertain significance (1 of 4 stars; one submission).

Conditions:
Nemaline myopathy 2 (NEM2). Also called: Nemaline myopathy 2, autosomal recessive. Identifiers: MedGen C1850569, MONDO:0009725, OMIM 256030.

Submission:

Labcorp Genetics (formerly Invitae), Labcorp
Classification: Uncertain significance for Nemaline myopathy 2. Last evaluated: 2021-03-17. Review status: criteria provided, single submitter. Criteria: Invitae Variant Classification Sherloc (09022015). Collection method: clinical testing. Allele origin: germline.
Comment: This variant is not present in population databases (ExAC no frequency). This sequence change replaces methionine with valine at codon 6499 of the NEB protein (p.Met6499Val). The methionine residue is moderately conserved and there is a small physicochemical difference between methionine and valine. This variant has not been reported in the literature in individuals with NEB-related conditions. Algorithms developed to predict the effect of missense changes on protein structure and function are either unavailable or do not agree on the potential impact of this missense change (SIFT: "Tolerated"; PolyPhen-2: "Not Available"; Align-GVGD: "Class C0"). Algorithms developed to predict the effect of sequence changes on RNA splicing suggest that this variant may create or strengthen a splice site, but this prediction has not been confirmed by published transcriptional studies. In summary, the available evidence is currently insufficient to determine the role of this variant in disease. Therefore, it has been classified as a Variant of Uncertain Significance.